The following is an entry in ClinVar:

NC_000014.8:g.(?_76488650)_(76549920_?)dup

Gene: IFT43 (intraflagellar transport 43; plus strand). Cytogenetic location: 14q24.3.
Variant type: Duplication.
Identifiers: ClinVar variation 1412638 (VCV001412638.5).

ClinVar aggregate classification (germline): Uncertain significance (1 of 4 stars; one submission).

Submission:

Labcorp Genetics (formerly Invitae), Labcorp
Classification: Uncertain significance. Last evaluated: 2022-07-12. Review status: criteria provided, single submitter. Criteria: Invitae Variant Classification Sherloc (09022015). Collection method: clinical testing. Allele origin: germline.
Comment: In summary, the available evidence is currently insufficient to determine the role of this variant in disease. Therefore, it has been classified as a Variant of Uncertain Significance. This variant has not been reported in the literature in individuals affected with IFT43-related conditions. This variant results in a copy number gain of the genomic region encompassing exon(s) 3-8 of the IFT43 gene. This region includes the termination codon of the gene. This copy number gain extends beyond the assayed region for this gene and therefore may encompass additional genes. As the precise location of this event is unknown, it may be in tandem or it may be located elsewhere in the genome.